The following is an entry in ClinVar:

ClinVar aggregate classification (germline): Likely benign. Review status: criteria provided, multiple submitters, no conflicts (2 of 4 stars). 4 submissions from 4 submitters: Likely benign (3). 1 of the submissions does not count toward it. Last evaluated 2025-12-30.

Conditions:
Cardiovascular phenotype. Identifiers: MedGen CN230736.
TNXB-related disorder. Also called: TNXB-related condition.

Allele frequency attached by ClinVar (database versions not stated): ExAC 0.00002; gnomAD exomes 0.00006; gnomAD 0.00007; TOPMed 0.00008; ESP Exome Variant Server 0.00013.
gnomAD v4.1: 102 of 1,608,094 alleles (0.0063%); highest among the groups gnomAD compares: Non-Finnish European, 0.0081%; no homozygotes.

Submissions (4):

Women's Health and Genetics/Laboratory Corporation of America, LabCorp
Classification: Likely benign. Last evaluated: 2025-12-30. Review status: criteria provided, single submitter. Criteria: LabCorp Variant Classification Summary - May 2015. Collection method: clinical testing. Allele origin: germline.

Mayo Clinic Laboratories, Mayo Clinic
Classification: Likely benign. Last evaluated: 2025-01-27. Review status: criteria provided, single submitter. Criteria: ACMG Guidelines, 2015. Collection method: clinical testing. Allele origin: germline. Observed: 1 variant allele.
Comment: BP4, BP7

Ambry Genetics
Classification: Likely benign for Cardiovascular phenotype. Last evaluated: 2019-07-18. Review status: criteria provided, single submitter. Criteria: Ambry Variant Classification Scheme 2023. Collection method: clinical testing. Allele origin: germline.

PreventionGenetics, part of Exact Sciences
Classification: Likely benign for TNXB-related condition. Last evaluated: 2022-04-14. Review status: no assertion criteria provided. Collection method: clinical testing. Allele origin: germline. Not counted in ClinVar's aggregate classification.
Comment: This variant is classified as likely benign based on ACMG/AMP sequence variant interpretation guidelines (Richards et al. 2015 PMID: 25741868, with internal and published modifications).

NM_001365276.2(TNXB):c.2946C>T (p.Thr982=)

Gene: TNXB (tenascin XB; minus strand). Cytogenetic location: 6p21.33.
Variant type: single nucleotide variant.
Coding change: c.2946C>T on transcript NM_001365276.2 (MANE Select); coding-DNA position 2946, C replaced by T.
Protein change: p.Thr982=; no amino-acid change (threonine 982 retained).
Molecular consequence: synonymous variant.
Genome position (GRCh38, 1-based): chr6:32,085,952, G>A on the plus strand (C>T on the coding strand, the complement: TNXB is on the minus strand). VCF-style: chr6-32085952-G-A. GRCh37 (hg19) VCF-style: chr6-32053729-G-A.
Other names: p.Thr982=; c.2946C>T, p.Thr982= (NM_019105.8).
Identifiers: ClinVar variation 1797971 (VCV001797971.6), dbSNP rs369219469, ClinGen allele CA3735288.